The following is an entry in ClinVar:

ClinVar aggregate classification (germline): Conflicting classifications of pathogenicity. Review status: criteria provided, conflicting classifications (1 of 4 stars). 4 submissions from 4 submitters: Uncertain significance (2); Likely benign (2). Last evaluated 2025-05-31.

Conditions:
Familial cancer of breast. Also called: hereditary breast carcinoma; BREAST CANCER, FAMILIAL; Hereditary breast cancer. Identifiers: Orphanet 227535, MedGen C0346153, MONDO:0016419, OMIM 114480. Disease mechanism: loss of function.
Breast-ovarian cancer, familial, susceptibility to, 2 (BROVCA2). Also called: BRCA2 Hereditary Breast and Ovarian Cancer. Identifiers: Orphanet 145, MedGen C2675520, MONDO:0012933, OMIM 612555. Disease mechanism: loss of function.
Hereditary cancer-predisposing syndrome. Also called: Hereditary Cancer Syndrome; Hereditary neoplastic syndrome; Tumor predisposition; Neoplastic Syndromes, Hereditary. Identifiers: Orphanet 140162, MedGen C0027672, MeSH D009386, MONDO:0015356.
Hereditary breast ovarian cancer syndrome. Also called: Hereditary breast and ovarian cancer syndrome; BRCA1- and BRCA2-Associated Hereditary Breast and Ovarian Cancer; Hereditary breast and ovarian cancer syndrome (HBOC); Hereditary breast and/or ovarian cancer syndrome; Hereditary breast and ovarian cancer; Breast and ovarian cancer. Identifiers: Orphanet 145, MedGen C0677776, MeSH D061325, MONDO:0003582. Disease mechanism: loss of function.

Submissions (4):

Color Diagnostics, LLC DBA Color Health
Classification: Uncertain significance for Hereditary cancer-predisposing syndrome. Last evaluated: 2025-05-31. Review status: criteria provided, single submitter. Criteria: ACMG Guidelines, 2015. Collection method: clinical testing. Allele origin: germline.
Comment: This missense variant replaces leucine with valine at codon 2518 of the BRCA2 protein. Computational prediction suggests that this variant may not impact protein structure and function. Functional studies have reported that this variant does not impact BRCA2 function in cell proliferation assays (PMID: 35190686, 39779857) and in sensitivity assays to cisplatin and PARP inhibitor (PMID: 39779848). To our knowledge, this variant has not been reported in individuals affected with BRCA2-related disorders in the literature. This variant has not been identified in the general population by the Genome Aggregation Database (gnomAD). The available evidence is insufficient to determine the role of this variant in disease conclusively. Therefore, this variant is classified as a Variant of Uncertain Significance.

Ambry Genetics
Classification: Likely benign for Hereditary cancer-predisposing syndrome. Last evaluated: 2022-01-04. Review status: criteria provided, single submitter. Criteria: Ambry Variant Classification Scheme 2023. Collection method: clinical testing. Allele origin: germline.

Department of Pathology and Laboratory Medicine, Sinai Health System
Classification: Likely benign for Familial cancer of breast; Breast-ovarian cancer, familial, susceptibility to, 2. Last evaluated: 2021-07-23. Review status: criteria provided, single submitter. Criteria: ACMG Guidelines, 2015. Collection method: clinical testing. Allele origin: germline. Affected: yes.

Labcorp Genetics (formerly Invitae), Labcorp
Classification: Uncertain significance for Hereditary breast ovarian cancer syndrome. Last evaluated: 2020-11-10. Review status: criteria provided, single submitter. Criteria: Invitae Variant Classification Sherloc (09022015). Collection method: clinical testing. Allele origin: germline.
Comment: This variant has not been reported in the literature in individuals with BRCA2-related conditions. ClinVar contains an entry for this variant (Variation ID: 441316). Advanced modeling of protein sequence and biophysical properties (such as structural, functional, and spatial information, amino acid conservation, physicochemical variation, residue mobility, and thermodynamic stability) performed at Invitae indicates that this missense variant is not expected to disrupt BRCA2 protein function. In summary, the available evidence is currently insufficient to determine the role of this variant in disease. Therefore, it has been classified as a Variant of Uncertain Significance. This variant is not present in population databases (ExAC no frequency). This sequence change replaces leucine with valine at codon 2518 of the BRCA2 protein (p.Leu2518Val). The leucine residue is weakly conserved and there is a small physicochemical difference between leucine and valine.

Literature cited by the submitters: PubMed 35190686 (cited by Color Diagnostics, LLC DBA Color Health); PubMed 39779848 (cited by Color Diagnostics, LLC DBA Color Health); PubMed 39779857 (cited by Color Diagnostics, LLC DBA Color Health).

NM_000059.4(BRCA2):c.7552C>G (p.Leu2518Val)

Gene: BRCA2 (BRCA2 DNA repair associated; plus strand). Cytogenetic location: 13q13.1.
Variant type: single nucleotide variant.
Coding change: c.7552C>G on transcript NM_000059.4 (MANE Select); coding-DNA position 7552, C replaced by G.
Protein change: p.Leu2518Val; replaces leucine 2518 with valine.
Molecular consequence: missense variant.
Genome position (GRCh38, 1-based): chr13:32,356,544, C>G. VCF-style: chr13-32356544-C-G. GRCh37 (hg19) VCF-style: chr13-32930681-C-G.
Other names: short protein forms L2518V.
Identifiers: ClinVar variation 441316 (VCV000441316.16), dbSNP rs1555286279, ClinGen allele CA387743693.